The following is an entry in ClinVar:

NM_000593.6(TAP1):c.1354A>G (p.Met452Val)

Gene: TAP1 (transporter 1, ATP binding cassette subfamily B member; minus strand). Cytogenetic location: 6p21.32.
Variant type: single nucleotide variant.
Coding change: c.1354A>G on transcript NM_000593.6 (MANE Select); coding-DNA position 1354, A replaced by G.
Protein change: p.Met452Val; replaces methionine 452 with valine.
Molecular consequence: missense variant.
Genome position (GRCh38, 1-based): chr6:32,849,013, T>C on the plus strand (A>G on the coding strand, the complement: TAP1 is on the minus strand). VCF-style: chr6-32849013-T-C. GRCh37 (hg19) VCF-style: chr6-32816790-T-C.
Other names: c.751A>G, p.Met251Val (NM_001292022.2); short protein forms M251V, M512V, M452V.
Identifiers: ClinVar variation 659028 (VCV000659028.6), dbSNP rs768766706, ClinGen allele CA3746802.
Genomic context (GRCh38, chr6:32,849,013, plus strand): 5'-GGAATCACACTGGGGAGTGAAGGTGGAGGGACCTCACCTCCACAGCCTGGGTGAACTGCA[T>C]CTGGTAGAGAACAAATGTGACAAGGTTCCCACTGCTTACAGCCCCACTGGTCACCAGCTG-3'
Protein context (NP_000584.3, residues 442-462): GNLVTFVLYQ[Met452Val]QFTQAVEVLL

ClinVar aggregate classification (germline): Uncertain significance. Review status: criteria provided, multiple submitters, no conflicts (2 of 4 stars). 2 submissions from 2 submitters: Uncertain significance (2). Last evaluated 2023-12-08.

Conditions:
Inborn genetic diseases. Identifiers: MedGen C0950123, MeSH D030342.
MHC class I deficiency. Identifiers: Orphanet 34592, MedGen C6024714, MONDO:0011476.

Allele frequency attached by ClinVar (database versions not stated): gnomAD 0.00005 and 0.00003; TOPMed 0.00006; gnomAD exomes 0.00003 and 0.00005; ExAC 0.00006.

Submissions (2):

Ambry Genetics
Classification: Uncertain significance for Inborn genetic diseases. Last evaluated: 2023-12-08. Review status: criteria provided, single submitter. Criteria: Ambry Variant Classification Scheme 2023. Collection method: clinical testing. Allele origin: germline.

Labcorp Genetics (formerly Invitae), Labcorp
Classification: Uncertain significance for MHC class I deficiency 1. Last evaluated: 2022-10-21. Review status: criteria provided, single submitter. Criteria: Invitae Variant Classification Sherloc (09022015). Collection method: clinical testing. Allele origin: germline.
Comment: This sequence change replaces methionine, which is neutral and non-polar, with valine, which is neutral and non-polar, at codon 512 of the TAP1 protein (p.Met512Val). This variant is present in population databases (rs768766706, gnomAD 0.009%). This variant has not been reported in the literature in individuals affected with TAP1-related conditions. ClinVar contains an entry for this variant (Variation ID: 659028). Algorithms developed to predict the effect of missense changes on protein structure and function (SIFT, PolyPhen-2, Align-GVGD) all suggest that this variant is likely to be tolerated. In summary, the available evidence is currently insufficient to determine the role of this variant in disease. Therefore, it has been classified as a Variant of Uncertain Significance.